The following is an entry in ClinVar:

ClinVar aggregate classification (germline): Uncertain significance. Review status: criteria provided, multiple submitters, no conflicts (2 of 4 stars). 3 submissions from 3 submitters: Uncertain significance (3). Last evaluated 2025-12-09.

Conditions:
Inborn genetic diseases. Identifiers: MedGen C0950123, MeSH D030342.
Acne inversa, familial, 1. Identifiers: MedGen C4551962, MONDO:0007728, OMIM 142690.

Allele frequency attached by ClinVar (database versions not stated): gnomAD exomes below 0.00001; TOPMed below 0.00001; ExAC 0.00001; gnomAD 0.00001.
gnomAD v4.1: 6 of 1,611,400 alleles (0.00037%); highest among the groups gnomAD compares: Non-Finnish European, 0.00042%; no homozygotes.

Submissions (3):

Ambry Genetics
Classification: Uncertain significance for Inborn genetic diseases. Last evaluated: 2025-12-09. Review status: criteria provided, single submitter. Criteria: Ambry Variant Classification Scheme 2023. Collection method: clinical testing. Allele origin: germline.

Labcorp Genetics (formerly Invitae), Labcorp
Classification: Uncertain significance. Last evaluated: 2024-11-18. Review status: criteria provided, single submitter. Criteria: Invitae Variant Classification Sherloc (09022015). Collection method: clinical testing. Allele origin: germline.
Comment: This sequence change replaces arginine, which is basic and polar, with histidine, which is basic and polar, at codon 19 of the NCSTN protein (p.Arg19His). This variant is present in population databases (rs201530191, gnomAD 0.002%). This variant has not been reported in the literature in individuals affected with NCSTN-related conditions. ClinVar contains an entry for this variant (Variation ID: 2164046). An algorithm developed to predict the effect of missense changes on protein structure and function outputs the following: PolyPhen-2: "Benign". The histidine amino acid residue is found in multiple mammalian species, which suggests that this missense change does not adversely affect protein function. In summary, the available evidence is currently insufficient to determine the role of this variant in disease. Therefore, it has been classified as a Variant of Uncertain Significance.

Department of Pathology and Laboratory Medicine, Sinai Health System
Classification: Uncertain significance for Acne inversa, familial, 1. Last evaluated: 2021-12-02. Review status: criteria provided, single submitter. Criteria: ACMG Guidelines, 2015. Collection method: research. Allele origin: germline.

NM_015331.3(NCSTN):c.56G>A (p.Arg19His)

Gene: NCSTN (nicastrin; plus strand). Cytogenetic location: 1q23.2.
Variant type: single nucleotide variant.
Coding change: c.56G>A on transcript NM_015331.3 (MANE Select); coding-DNA position 56, G replaced by A.
Protein change: p.Arg19His; replaces arginine 19 with histidine.
Molecular consequence: missense variant. On other transcripts: 5 prime UTR variant (1).
Genome position (GRCh38, 1-based): chr1:160,343,452, G>A. VCF-style: chr1-160343452-G-A. GRCh37 (hg19) VCF-style: chr1-160313242-G-A.
Other names: c.-144G>A (NM_001290184.2); c.56G>A, p.Arg19His (NM_001290186.2, NM_001349729.2); c.56G>A (NM_015331.2); short protein forms R19H.
Identifiers: ClinVar variation 2164046 (VCV002164046.6), dbSNP rs201530191, ClinGen allele CA1198552.
Genomic context (GRCh38, chr1:160,343,452, plus strand): 5'-GCAAGATGGCTACGGCAGGGGGTGGCTCTGGGGCTGACCCGGGAAGTCGGGGTCTCCTTC[G>A]CCTTCTGTCTTTCTGCGTCCTACTAGCAGGTGAGGCCTCCCCGCCCGTGAGCTCCGTTCT-3'
Protein context (NP_056146.1, residues 9-29): GADPGSRGLL[Arg19His]LLSFCVLLAG